The following is an entry in ClinVar:

ClinVar aggregate classification (germline): Uncertain significance (1 of 4 stars; one submission).

Submission:

GeneDx
Classification: Uncertain significance. Last evaluated: 2024-11-21. Review status: criteria provided, single submitter. Criteria: GeneDx Variant Classification Process June 2021. Collection method: clinical testing. Allele origin: germline. Affected: yes.
Comment: Not observed at significant frequency in large population cohorts (gnomAD); In silico analysis indicates that this missense variant does not alter protein structure/function; Has not been previously published as pathogenic or benign to our knowledge

NM_016284.5(CNOT1):c.1982G>A (p.Ser661Asn)

Gene: CNOT1 (CCR4-NOT transcription complex subunit 1; minus strand). Cytogenetic location: 16q21.
Variant type: single nucleotide variant.
Coding change: c.1982G>A on transcript NM_016284.5 (MANE Select); coding-DNA position 1982, G replaced by A.
Protein change: p.Ser661Asn; replaces serine 661 with asparagine.
Molecular consequence: missense variant. On other transcripts: non-coding transcript variant (1).
Genome position (GRCh38, 1-based): chr16:58,560,360, C>T on the plus strand (G>A on the coding strand, the complement: CNOT1 is on the minus strand). VCF-style: chr16-58560360-C-T. GRCh37 (hg19) VCF-style: chr16-58594264-C-T.
Other names: c.1982G>A, p.Ser661Asn (NM_001265612.2, NM_206999.3); short protein forms S661N.
Identifiers: ClinVar variation 3900379 (VCV003900379.1).